The following is an entry in ClinVar:

NM_000179.3(MSH6):c.627+10G>C

Gene: MSH6 (mutS homolog 6; plus strand). Cytogenetic location: 2p16.3.
Variant type: single nucleotide variant.
Coding change: c.627+10G>C on transcript NM_000179.3 (MANE Select); 10 bases into the intron after coding-DNA position 627, G replaced by C.
Molecular consequence: intron variant.
Genome position (GRCh38, 1-based): chr2:47,796,073, G>C. VCF-style: chr2-47796073-G-C. GRCh37 (hg19) VCF-style: chr2-48023212-G-C.
Other names: c.627+10G>C (NM_001406809.1, NM_001406796.1, NM_001406808.1 and 5 more transcripts); c.-279-2538G>C (NM_001406811.1, NM_001281493.2, NM_001406812.1 and 4 more transcripts); c.330+10G>C (NM_001406805.1, NM_001406797.1, NM_001406801.1 and 10 more transcripts); c.723+10G>C (NM_001406795.1, NM_001406802.1); c.633+10G>C (NM_001406813.1); c.102+10G>C (NM_001406807.1, NM_001406799.1, NM_001406806.1); c.-368+10G>C (NM_001406814.1); c.549+10G>C (NM_001406804.1); and 3 more.
Identifiers: ClinVar variation 3714085 (VCV003714085.3).
Genomic context (GRCh38, chr2:47,796,073, plus strand): 5'-TTGGCAGTTTGTGATGAGCCCTCAGAGCCAGAAGAGGAAGAAGAGATGGAGGTGGGACAC[G>C]GCAAGCATTCAGTTGTTATTTATGTTAGGGTGATGGGGGAAGAAAGGGGGAGGGTGTATT-3'

ClinVar aggregate classification (germline): Likely benign. Review status: criteria provided, multiple submitters, no conflicts (2 of 4 stars). 2 submissions from 2 submitters: Likely benign (2). Last evaluated 2024-12-19.

Conditions:
Lynch syndrome 5 (LYNCH5). Also called: Colorectal cancer, hereditary nonpolyposis, type 5; Hereditary non-polyposis colorectal cancer, type 5. Identifiers: Orphanet 144, MedGen C1833477, MONDO:0013710, OMIM 614350. Disease mechanism: loss of function.
Hereditary nonpolyposis colorectal neoplasms. Identifiers: MedGen C0009405, MeSH D003123.

Submissions (2):

Myriad Genetics, Inc.
Classification: Likely benign for Lynch syndrome 5. Last evaluated: 2024-12-19. Review status: criteria provided, single submitter. Criteria: Myriad Autosomal Dominant, Autosomal Recessive and X-Linked Classification Criteria (2023). Collection method: clinical testing. Allele origin: unknown.
Comment: This variant is considered likely benign. This variant is intronic and is not expected to impact mRNA splicing.

Labcorp Genetics (formerly Invitae), Labcorp
Classification: Likely benign for Hereditary nonpolyposis colorectal neoplasms. Last evaluated: 2024-06-04. Review status: criteria provided, single submitter. Criteria: Invitae Variant Classification Sherloc (09022015). Collection method: clinical testing. Allele origin: germline.